The following is an entry in ClinVar:

NM_000671.4(ADH5):c.826-8G>T

Gene: ADH5 (alcohol dehydrogenase 5 (class III), chi polypeptide; minus strand). Cytogenetic location: 4q23.
Variant type: single nucleotide variant.
Coding change: c.826-8G>T on transcript NM_000671.4 (MANE Select); 8 bases into the intron before coding-DNA position 826, G replaced by T.
Molecular consequence: intron variant.
Genome position (GRCh38, 1-based): chr4:99,075,057, C>A on the plus strand (G>T on the coding strand, the complement: ADH5 is on the minus strand). VCF-style: chr4-99075057-C-A. GRCh37 (hg19) VCF-style: chr4-99996208-C-A.
Identifiers: ClinVar variation 2654962 (VCV002654962.24), dbSNP rs368604169, ClinGen allele CA3018269.

ClinVar aggregate classification (germline): Likely benign (1 of 4 stars; one submission).

Allele frequency attached by ClinVar (database versions not stated): TOPMed 0.00025; gnomAD 0.00029; ESP Exome Variant Server 0.00040.
gnomAD v4.1: 791 of 1,594,518 alleles (0.05%); highest among the groups gnomAD compares: Non-Finnish European, 0.063%; 1 homozygote.

Submission:

CeGaT Center for Human Genetics Tuebingen
Classification: Likely benign. Last evaluated: 2022-05-01. Review status: criteria provided, single submitter. Criteria: CeGaT Center For Human Genetics Tuebingen Variant Classification Criteria Version 2. Collection method: clinical testing. Allele origin: germline. Affected: yes. Observed: 1 variant allele.
Comment: ADH5: BP4